The following is an entry in ClinVar:

NM_015015.3(KDM4B):c.3077T>A (p.Leu1026Gln)

Gene: KDM4B (lysine demethylase 4B; plus strand). Cytogenetic location: 19p13.3.
Variant type: single nucleotide variant.
Coding change: c.3077T>A on transcript NM_015015.3 (MANE Select); coding-DNA position 3077, T replaced by A.
Protein change: p.Leu1026Gln; replaces leucine 1026 with glutamine.
Molecular consequence: missense variant.
Genome position (GRCh38, 1-based): chr19:5,150,413, T>A. VCF-style: chr19-5150413-T-A. GRCh37 (hg19) VCF-style: chr19-5150424-T-A.
Other names: c.3179T>A, p.Leu1060Gln (NM_001411148.1); short protein forms L1026Q, L1060Q.
Identifiers: ClinVar variation 2901132 (VCV002901132.3), dbSNP rs998866826, ClinGen allele CA304593494.

ClinVar aggregate classification (germline): Uncertain significance (1 of 4 stars; one submission).

Allele frequency attached by ClinVar (database versions not stated): gnomAD 0.00001; gnomAD exomes 0.00001; TOPMed 0.00002.
gnomAD v4.1: 11 of 1,551,082 alleles (0.00071%); highest among the groups gnomAD compares: Non-Finnish European, 0.00087%; no homozygotes.

Submission:

Labcorp Genetics (formerly Invitae), Labcorp
Classification: Uncertain significance. Last evaluated: 2024-05-28. Review status: criteria provided, single submitter. Criteria: Invitae Variant Classification Sherloc (09022015). Collection method: clinical testing. Allele origin: germline.
Comment: This sequence change replaces leucine, which is neutral and non-polar, with glutamine, which is neutral and polar, at codon 1026 of the KDM4B protein (p.Leu1026Gln). This variant is not present in population databases (gnomAD no frequency). This variant has not been reported in the literature in individuals affected with KDM4B-related conditions. An algorithm developed to predict the effect of missense changes on protein structure and function (PolyPhen-2) suggests that this variant is likely to be disruptive. In summary, the available evidence is currently insufficient to determine the role of this variant in disease. Therefore, it has been classified as a Variant of Uncertain Significance.